The following is an entry in ClinVar:

NM_002361.4(MAG):c.600A>T (p.Ser200=)

Gene: MAG (myelin associated glycoprotein; plus strand). Cytogenetic location: 19q13.12.
Variant type: single nucleotide variant.
Coding change: c.600A>T on transcript NM_002361.4 (MANE Select); coding-DNA position 600, A replaced by T.
Protein change: p.Ser200=; no amino-acid change (serine 200 retained).
Molecular consequence: synonymous variant.
Genome position (GRCh38, 1-based): chr19:35,299,738, A>T. VCF-style: chr19-35299738-A-T. GRCh37 (hg19) VCF-style: chr19-35790641-A-T.
Other names: c.525A>T, p.Ser175= (NM_001199216.2); c.600A>T, p.Ser200= (NM_080600.3).
Identifiers: ClinVar variation 1309654 (VCV001309654.15), dbSNP rs200695849, ClinGen allele CA9376055.

ClinVar aggregate classification (germline): Conflicting classifications of pathogenicity. Review status: criteria provided, conflicting classifications (1 of 4 stars). 4 submissions from 4 submitters: Uncertain significance (2); Likely benign (2). Last evaluated 2025-09-01.

Conditions:
Hereditary spastic paraplegia 75. Also called: Spastic paraplegia 75, autosomal recessive. Identifiers: Orphanet 459056, MedGen C4225250, MONDO:0014729, OMIM 616680.

Allele frequency attached by ClinVar (database versions not stated): gnomAD 0.00005; gnomAD exomes 0.00008 and 0.00022; 1000 Genomes Project 0.00060; 1000 Genomes Project 30x 0.00062; ExAC 0.00064.
gnomAD v4.1: 126 of 1,561,928 alleles (0.0081%); highest among the groups gnomAD compares: South Asian, 0.14%; 1 homozygote.

Submissions (4):

CeGaT Center for Human Genetics Tuebingen
Classification: Likely benign. Last evaluated: 2025-09-01. Review status: criteria provided, single submitter. Criteria: CeGaT Center For Human Genetics Tuebingen Variant Classification Criteria Version 2. Collection method: clinical testing. Allele origin: germline. Affected: yes. Observed: 1 variant allele.
Comment: MAG: BP4, BP7

Labcorp Genetics (formerly Invitae), Labcorp
Classification: Likely benign for Hereditary spastic paraplegia 75. Last evaluated: 2024-07-10. Review status: criteria provided, single submitter. Criteria: Invitae Variant Classification Sherloc (09022015). Collection method: clinical testing. Allele origin: germline.

GeneDx
Classification: Uncertain significance. Last evaluated: 2019-11-11. Review status: criteria provided, single submitter. Criteria: GeneDx Variant Classification Process June 2021. Collection method: clinical testing. Allele origin: germline. Affected: yes.
Comment: Has not been previously published as pathogenic or benign to our knowledge; In-silico analysis, which includes splice predictors and evolutionary conservation, is inconclusive as to whether the variant alters gene splicing. In the absence of RNA/functional studies, the actual effect of this sequence change is unknown.

Breakthrough Genomics
Classification: Uncertain significance. Review status: criteria provided, single submitter. Criteria: ACMG Guidelines, 2015. Collection method: not provided. Allele origin: germline. Inheritance: Autosomal dominant inheritance. Affected: yes.